The following is an entry in ClinVar:

NM_014974.3(DIP2C):c.2536dup (p.Gln846fs)

Gene: DIP2C (DIP2 acetate--CoA ligase C (putative); minus strand). Cytogenetic location: 10p15.3.
Variant type: Duplication.
Coding change: c.2536dup on transcript NM_014974.3 (MANE Select); coding-DNA position 2536, one base duplicated (C; older notation c.2536dupC).
Protein change: p.Gln846fs; shifts the reading frame from glutamine 846.
Molecular consequence: frameshift variant.
Genome position (GRCh38, 1-based): chr10:363,253, G duplicated on the plus strand (C on the coding strand, the reverse complement: DIP2C is on the minus strand). VCF-style (leftmost placement, unchanged base first): chr10-363252-T-TG. GRCh37 (hg19) VCF-style: chr10-409192-T-TG.
Other names: short protein forms Q846fs.
Identifiers: ClinVar variation 2640266 (VCV002640266.24), dbSNP rs2548183827, ClinGen allele CA2695199446.
Genomic context (GRCh38, chr10:363,252, plus strand): 5'-GCAACCTGCAGCACACGGCTCATCCACTGGAAACTGTCCTCTTCCGTGGAGTCAGGCCTC[T>TG]GCTCAGCCACGATCACGATCCTCTCGTCGTGCAGCACGGTCACCGAGAACACGGCTATCC-3'

ClinVar aggregate classification (germline): Uncertain significance (1 of 4 stars; one submission).

Submission:

CeGaT Center for Human Genetics Tuebingen
Classification: Uncertain significance. Last evaluated: 2023-10-01. Review status: criteria provided, single submitter. Criteria: CeGaT Center For Human Genetics Tuebingen Variant Classification Criteria Version 2. Collection method: clinical testing. Allele origin: germline. Affected: yes. Observed: 1 variant allele.
Comment: DIP2C: PM2